The following is an entry in ClinVar:

NM_020778.5(ALPK3):c.3791C>T (p.Pro1264Leu)

Gene: ALPK3 (alpha kinase 3; plus strand). Cytogenetic location: 15q25.3.
Variant type: single nucleotide variant.
Coding change: c.3791C>T on transcript NM_020778.5 (MANE Select); coding-DNA position 3791, C replaced by T.
Protein change: p.Pro1264Leu; replaces proline 1264 with leucine.
Molecular consequence: missense variant.
Genome position (GRCh38, 1-based): chr15:84,858,529, C>T. VCF-style: chr15-84858529-C-T. GRCh37 (hg19) VCF-style: chr15-85401760-C-T.
Other names: short protein forms P1264L.
Identifiers: ClinVar variation 3606581 (VCV003606581.2).

ClinVar aggregate classification (germline): Uncertain significance (1 of 4 stars; one submission).

gnomAD v4.1: 1 of 1,587,934 alleles (0.000063%); highest among the groups gnomAD compares: Non-Finnish European, 0.000085%; no homozygotes.

Submission:

Labcorp Genetics (formerly Invitae), Labcorp
Classification: Uncertain significance. Last evaluated: 2026-01-10. Review status: criteria provided, single submitter. Criteria: Invitae Variant Classification Sherloc (09022015). Collection method: clinical testing. Allele origin: germline.
Comment: This sequence change replaces proline, which is neutral and non-polar, with leucine, which is neutral and non-polar, at codon 1466 of the ALPK3 protein (p.Pro1466Leu). The frequency data for this variant in the population databases is considered unreliable, as metrics indicate poor data quality at this position in the gnomAD database. This variant has not been reported in the literature in individuals affected with ALPK3-related conditions. ClinVar contains an entry for this variant (Variation ID: 3606581). An algorithm developed to predict the effect of missense changes on protein structure and function (PolyPhen-2) suggests that this variant is likely to be tolerated. In summary, the available evidence is currently insufficient to determine the role of this variant in disease. Therefore, it has been classified as a Variant of Uncertain Significance.